The following is an entry in ClinVar:

ClinVar aggregate classification (germline): Conflicting classifications of pathogenicity. Review status: criteria provided, conflicting classifications (1 of 4 stars). 3 submissions from 3 submitters: Uncertain significance (1); Likely benign (2). Last evaluated 2026-01-05.

Conditions:
Dystonia 12 (DYT12). Also called: Rapid-Onset Dystonia-Parkinsonism (RDP); DYT-ATP1A3. Identifiers: Orphanet 71517, MedGen C1868681, MONDO:0007496, OMIM 128235.
ATP1A3-related disorder. Also called: ATP1A3-related condition; ATP1A3-related disorders. Identifiers: MedGen CN381097.

Allele frequency attached by ClinVar (database versions not stated): gnomAD exomes 0.00001 and below 0.00001; TOPMed 0.00001; gnomAD 0.00002 and 0.00001; 1000 Genomes Project 30x 0.00031; 1000 Genomes Project 0.00040; ExAC 0.00001.
gnomAD v4.1: 14 of 1,610,786 alleles (0.00087%); highest among the groups gnomAD compares: African/African-American, 0.015%; no homozygotes.

Submissions (3):

Labcorp Genetics (formerly Invitae), Labcorp
Classification: Likely benign for Dystonia 12. Last evaluated: 2026-01-05. Review status: criteria provided, single submitter. Criteria: Invitae Variant Classification Sherloc (09022015). Collection method: clinical testing. Allele origin: germline.

Blueprint Genetics
Classification: Likely benign. Last evaluated: 2024-11-11. Review status: criteria provided, single submitter. Criteria: ACMG Guidelines, 2015. Collection method: clinical testing. Allele origin: germline.

PreventionGenetics, part of Exact Sciences
Classification: Uncertain significance for ATP1A3-related condition. Last evaluated: 2024-10-18. Review status: criteria provided, single submitter. Criteria: ACMG Guidelines, 2015. Collection method: clinical testing. Allele origin: germline.
Comment: The ATP1A3 c.2985C>T variant is not predicted to result in an amino acid change (p.=). This variant is predicted to possibly alter splicing based on available splicing prediction programs (SpliceAI, Jaganathan et al. 2019. PubMed ID: 30661751). However, the use of computer prediction programs is not equivalent to functional evidence. To our knowledge, this variant has not been reported in the literature. This variant is reported in 0.0063% of alleles in individuals of African descent in gnomAD. At this time, the clinical significance of this variant is uncertain due to the absence of conclusive functional and genetic evidence.

NM_152296.5(ATP1A3):c.2946C>T (p.Phe982=)

Gene: ATP1A3 (ATPase Na+/K+ transporting subunit alpha 3; minus strand). Cytogenetic location: 19q13.2.
Variant type: single nucleotide variant.
Coding change: c.2946C>T on transcript NM_152296.5 (MANE Select); coding-DNA position 2946, C replaced by T.
Protein change: p.Phe982=; no amino-acid change (phenylalanine 982 retained).
Molecular consequence: synonymous variant.
Genome position (GRCh38, 1-based): chr19:41,967,316, G>A on the plus strand (C>T on the coding strand, the complement: ATP1A3 is on the minus strand). VCF-style: chr19-41967316-G-A. GRCh37 (hg19) VCF-style: chr19-42471468-G-A.
Other names: c.2979C>T, p.Phe993= (NM_001256213.2); c.2985C>T, p.Phe995= (NM_001256214.2); c.2985C>T (NM_001256214.1).
Identifiers: ClinVar variation 1100969 (VCV001100969.13), dbSNP rs182309368, ClinGen allele CA9467240.
Genomic context (GRCh38, chr19:41,967,316, plus strand): 5'-GTTCCTGCGCAGGATGAGTTTGCGGATTTCGTCGTAGACGAAGATGAGGAAACTGTAGGG[G>A]AAGGCACAGAACCACCAGCTGGGCCTGCAGAGGGGAGAGCAGGAGGGCTTGAGTGCGGGG-3'
Protein context (NP_689509.1, residues 972-992): PLKPSWWFCA[Phe982=]PYSFLIFVYD